The following is an entry in ClinVar:

NM_007294.4(BRCA1):c.2398_2411del (p.Lys800fs)

Gene: BRCA1 (BRCA1 DNA repair associated; minus strand). Cytogenetic location: 17q21.31.
Variant type: Deletion.
Coding change: c.2398_2411del on transcript NM_007294.4 (MANE Select); coding-DNA positions 2398 to 2411, 14 bases deleted (AAATGTGTGAGTCA).
Protein change: p.Lys800fs; shifts the reading frame from lysine 800.
Molecular consequence: frameshift variant. On other transcripts: intron variant (137).
Genome position (GRCh38, 1-based): chr17:43,093,120-43,093,133, TGACTCACACATTT deleted on the plus strand (AAATGTGTGAGTCA on the coding strand, the reverse complement: BRCA1 is on the minus strand). VCF-style (leftmost placement, unchanged base first): chr17-43093119-CTGACTCACACATTT-C. GRCh37 (hg19) VCF-style: chr17-41245136-CTGACTCACACATTT-C.
Other names: 2517del14; c.2185_2198del, p.Lys729fs (NM_001407571.1, NM_001407853.1, NM_001407894.1 and 9 more transcripts); c.2398_2411del, p.Lys800fs (NM_001407581.1, NM_001407582.1, NM_001407583.1 and 30 more transcripts); c.2395_2408del, p.Lys799fs (NM_001407587.1, NM_001407590.1, NM_001407591.1 and 22 more transcripts); c.2389_2402del, p.Lys797fs (NM_001407646.1, NM_001407647.1); c.2275_2288del, p.Lys759fs (NM_001407648.1, NM_001407664.1, NM_001407665.1 and 19 more transcripts); c.2272_2285del, p.Lys758fs (NM_001407649.1, NM_001407670.1, NM_001407671.1 and 11 more transcripts); c.2320_2333del, p.Lys774fs (NM_001407653.1, NM_001407654.1, NM_001407655.1 and 4 more transcripts); and 43 more; short protein forms K753fs, K800fs, K504fs, K672fs, K711fs, K712fs, K759fs, K774fs.
Identifiers: ClinVar variation 266259 (VCV000266259.6), dbSNP rs886040034, ClinGen allele CA10589854.

ClinVar aggregate classification (germline): Pathogenic. Review status: reviewed by expert panel (3 of 4 stars). 2 submissions from 2 submitters: Pathogenic (1). 1 of the submissions does not count toward it. Last evaluated 2016-10-18.

Conditions:
Breast-ovarian cancer, familial, susceptibility to, 1 (BROVCA1). Also called: BRCA1 Hereditary Breast and Ovarian Cancer; OVARIAN CANCER, SUSCEPTIBILITY TO. Identifiers: Orphanet 145, MedGen C2676676, MONDO:0011450, OMIM 604370. Disease mechanism: loss of function.

Submissions (2):

Evidence-based Network for the Interpretation of Germline Mutant Alleles (ENIGMA)
Classification: Pathogenic for Breast-ovarian cancer, familial, susceptibility to, 1. Last evaluated: 2016-10-18. Review status: reviewed by expert panel. Criteria: ENIGMA BRCA1/2 Classification Criteria (2015). Collection method: curation. Allele origin: germline.
Comment: Variant allele predicted to encode a truncated non-functional protein.

Consortium of Investigators of Modifiers of BRCA1/2 (CIMBA), c/o University of Cambridge
Classification: Pathogenic for Breast-ovarian cancer, familial, susceptibility to, 1. Last evaluated: 2015-10-02. Review status: criteria provided, single submitter. Criteria: CIMBA Mutation Classification guidelines May 2016. Collection method: clinical testing. Allele origin: germline. Not counted in ClinVar's aggregate classification.